The following is an entry in ClinVar:

NM_000540.3(RYR1):c.6564C>G (p.Asn2188Lys)

Gene: RYR1 (ryanodine receptor 1; plus strand). Cytogenetic location: 19q13.2.
Variant type: single nucleotide variant.
Coding change: c.6564C>G on transcript NM_000540.3 (MANE Select); coding-DNA position 6564, C replaced by G.
Protein change: p.Asn2188Lys; replaces asparagine 2188 with lysine.
Molecular consequence: missense variant.
Genome position (GRCh38, 1-based): chr19:38,496,230, C>G. VCF-style: chr19-38496230-C-G. GRCh37 (hg19) VCF-style: chr19-38986870-C-G.
Other names: c.6564C>G, p.Asn2188Lys (NM_001042723.2); short protein forms N2188K.
Identifiers: ClinVar variation 93282 (VCV000093282.17), dbSNP rs373570763, ClinGen allele CA024612.
Genomic context (GRCh38, chr19:38,496,230, plus strand): 5'-CGGACCTGGGCCCCTGGTGACCCCGCACACTCTGCCCGTGCACAGGAACATCATGAACAA[C>G]AAAGTCTTCTACCAACACCCGAACCTGATGAGGGCGCTGGGCATGCACGAGACGGTCATG-3'
Protein context (NP_000531.2, residues 2178-2198): MIQSIGNIMN[Asn2188Lys]KVFYQHPNLM

ClinVar aggregate classification (germline): Uncertain significance. Review status: criteria provided, multiple submitters, no conflicts (2 of 4 stars). 4 submissions from 4 submitters: Uncertain significance (4). Last evaluated 2024-09-23.

Conditions:
RYR1-related disorder. Also called: RYR1-related disorders; RYR1-related condition. Identifiers: MedGen CN239331.
Malignant hyperthermia, susceptibility to, 1 (MHS1). Also called: Malignant hyperthermia suceptibility 1; Anesthesia related hyperthermia; Malignant hyperpyrexia; Fulminating hyperpyrexia; Pharmacogenic myopathy; RYR1-Related Malignant Hyperthermia Susceptibility. Identifiers: Orphanet 423, MedGen C2930980, MONDO:0007783, OMIM 145600.

Allele frequency attached by ClinVar (database versions not stated): TOPMed below 0.00001; ExAC 0.00001; gnomAD exomes below 0.00001; gnomAD 0.00001; ESP Exome Variant Server 0.00008.
gnomAD v4.1: 10 of 1,613,640 alleles (0.00062%); highest among the groups gnomAD compares: Non-Finnish European, 0.00085%; no homozygotes.

Submissions (4):

All of Us Research Program, National Institutes of Health
Classification: Uncertain significance for Malignant hyperthermia, susceptibility to, 1. Last evaluated: 2024-09-23. Review status: criteria provided, single submitter. Criteria: ACMG Guidelines, 2015. Collection method: clinical testing. Allele origin: germline. Inheritance: Autosomal dominant inheritance. Observed: 4 variant alleles, 4 heterozygotes.
Comment: This missense variant replaces asparagine with lysine at codon 2188 of the RYR1 protein. Computational prediction suggests that this variant may have deleterious impact on protein structure and function (internally defined REVEL score threshold >= 0.7, PMID: 27666373). To our knowledge, functional studies have not been reported for this variant. This variant has not been reported in individuals affected with RYR1-related disorders in the literature. This variant has been identified in 1/250936 chromosomes in the general population by the Genome Aggregation Database (gnomAD). The available evidence is insufficient to determine the role of this variant in disease conclusively. Therefore, this variant is classified as a Variant of Uncertain Significance.

This study involves interpretation of variants in research participants for the purpose of population health screening. Participant phenotype was not available at the time of variant classification. Additional details can be found in publication PMID: 35346344, PMCID: PMC8962531

Labcorp Genetics (formerly Invitae), Labcorp
Classification: Uncertain significance for RYR1-related disorder. Last evaluated: 2023-11-13. Review status: criteria provided, single submitter. Criteria: Invitae Variant Classification Sherloc (09022015). Collection method: clinical testing. Allele origin: germline.
Comment: This sequence change replaces asparagine, which is neutral and polar, with lysine, which is basic and polar, at codon 2188 of the RYR1 protein (p.Asn2188Lys). This variant is present in population databases (rs373570763, gnomAD 0.0009%). This variant has not been reported in the literature in individuals affected with RYR1-related conditions. ClinVar contains an entry for this variant (Variation ID: 93282). Advanced modeling of protein sequence and biophysical properties (such as structural, functional, and spatial information, amino acid conservation, physicochemical variation, residue mobility, and thermodynamic stability) performed at Invitae indicates that this missense variant is expected to disrupt RYR1 protein function with a positive predictive value of 80%. In summary, the available evidence is currently insufficient to determine the role of this variant in disease. Therefore, it has been classified as a Variant of Uncertain Significance.

Laboratory for Molecular Medicine, Mass General Brigham Personalized Medicine
Classification: Uncertain significance. Last evaluated: 2017-06-05. Review status: criteria provided, single submitter. Criteria: LMM Criteria. Collection method: clinical testing. Allele origin: germline. Observed: 1 variant allele.
Comment: The p.Asn2188Lys variant in RYR1 has not been previously reported in individuals with myopathy, but has been identified in 1/111628 European chromosomes by the Genome Aggregation Database (gnomAD; dbSNP rs3 73570763). This variant has not been previously reported in the literature, but has been reported in ClinVar (VariantID:93282). Computational prediction tools a nd conservation analysis suggest that this variant may impact the protein, thoug h this information is not predictive enough to determine pathogenicity. In summa ry, the clinical significance of the p.Asn2188Lys variant is uncertain.

Eurofins Ntd Llc (ga)
Classification: Uncertain significance. Last evaluated: 2013-10-15. Review status: criteria provided, single submitter. Criteria: EGL Classification Definitions 2015. Collection method: clinical testing. Allele origin: germline. Observed: 1 variant allele, 1 heterozygote.